The following is an entry in ClinVar:

NM_033310.3(KCNK4):c.524del (p.Phe175fs)

Genes: KCNK4 (potassium two pore domain channel subfamily K member 4; plus strand), KCNK4-CATSPERZ (KCNK4-CATSPERZ readthrough (NMD candidate); plus strand). Cytogenetic location: 11q13.1.
Variant type: Deletion.
Coding change: c.524del on transcript NM_033310.3 (MANE Select); coding-DNA position 524, one base deleted (T; older notation c.524delT).
Protein change: p.Phe175fs; shifts the reading frame from phenylalanine 175.
Molecular consequence: frameshift variant. On other transcripts: non-coding transcript variant (1).
Genome position (GRCh38, 1-based): chr11:64,297,516, T deleted; the last of 4 consecutive T bases (chr11:64,297,513-64,297,516); deleting any one gives the same sequence. VCF-style (leftmost placement, unchanged base first): chr11-64297512-CT-C. GRCh37 (hg19) VCF-style: chr11-64064984-CT-C.
Other names: c.524del, p.Phe175fs (NM_001317090.2); c.524delT, p.Phe175Serfs (NM_033311.1); short protein forms F175fs.
Identifiers: ClinVar variation 1958486 (VCV001958486.5), dbSNP rs754700692, ClinGen allele CA6073091.

ClinVar aggregate classification (germline): Uncertain significance (1 of 4 stars; one submission).

Submission:

Labcorp Genetics (formerly Invitae), Labcorp
Classification: Uncertain significance. Last evaluated: 2022-03-22. Review status: criteria provided, single submitter. Criteria: Invitae Variant Classification Sherloc (09022015). Collection method: clinical testing. Allele origin: germline.
Comment: In summary, the available evidence is currently insufficient to determine the role of this variant in disease. Therefore, it has been classified as a Variant of Uncertain Significance. This variant has not been reported in the literature in individuals affected with KCNK4-related conditions. This variant is present in population databases (rs754700692, gnomAD 0.008%). This sequence change creates a premature translational stop signal (p.Phe175Serfs*3) in the KCNK4 gene. It is expected to result in an absent or disrupted protein product. However, the current clinical and genetic evidence is not sufficient to establish whether loss-of-function variants in KCNK4 cause disease.